The following is an entry in ClinVar:

NM_000443.4(ABCB4):c.1675G>A (p.Ala559Thr)

Gene: ABCB4 (ATP binding cassette subfamily B member 4; minus strand). Cytogenetic location: 7q21.12.
Variant type: single nucleotide variant.
Coding change: c.1675G>A on transcript NM_000443.4 (MANE Select); coding-DNA position 1675, G replaced by A.
Protein change: p.Ala559Thr; replaces alanine 559 with threonine.
Molecular consequence: missense variant.
Genome position (GRCh38, 1-based): chr7:87,439,723, C>T on the plus strand (G>A on the coding strand, the complement: ABCB4 is on the minus strand). VCF-style: chr7-87439723-C-T. GRCh37 (hg19) VCF-style: chr7-87069039-C-T.
Other names: c.1675G>A, p.Ala559Thr (NM_018849.3, NM_018850.3); short protein forms A559T.
Identifiers: ClinVar variation 4687308 (VCV004687308.2).
Genomic context (GRCh38, chr7:87,439,723, plus strand): 5'-TGACCTTATCCAGAGCTGCCTGTACCTCAGCTTCACTTTCTGTGTCCAATGCTGACGTGG[C>T]CTCATCCAGCAGAAGGATCTTGGGGTTGCGAACCAGGGCACGTGCAATGGCGATCCTCTG-3'
Protein context (NP_000434.1, residues 549-569): RNPKILLLDE[Ala559Thr]TSALDTESEA

ClinVar aggregate classification (germline): Uncertain significance. Review status: criteria provided, multiple submitters, no conflicts (2 of 4 stars). 2 submissions from 2 submitters: Uncertain significance (2). Last evaluated 2026-04-14.

Conditions:
Low phospholipid associated cholelithiasis (GBD1). Also called: Gallstone cholecystitis; Gallbladder disease 1. Identifiers: Orphanet 69663, MedGen C2609268, MONDO:0010939, OMIM 600803.

Submissions (2):

Genomenon, Inc
Classification: Uncertain significance for Low phospholipid associated cholelithiasis. Last evaluated: 2026-04-14. Review status: criteria provided, single submitter. Criteria: Genomenon Sequence Variant Interpretation Standards - Updated. Collection method: curation. Allele origin: germline. Affected: yes.
Comment: ABCB4 p.Ala559Thr (c.1675G>A) is a missense variant that changes the amino acid at residue 559 from Alanine to Threonine. This variant has been observed in at least one proband with an ABCB4-related disorder (PMID:23533021). It is absent or not present at a significant frequency in gnomAD. In silico models predict that this variant is possibly or probably damaging. In conclusion, we classify ABCB4 p.Ala559Thr (c.1675G>A) as a variant of uncertain significance.

Women's Health and Genetics/Laboratory Corporation of America, LabCorp
Classification: Uncertain significance. Last evaluated: 2025-10-30. Review status: criteria provided, single submitter. Criteria: LabCorp Variant Classification Summary - May 2015. Collection method: clinical testing. Allele origin: germline.
Comment: Variant summary: ABCB4 c.1675G>A (p.Ala559Thr), also reported as c.1615G>A, A539T (erratum corrected) results in a non-conservative amino acid change in the encoded protein sequence. Algorithms developed to predict the effect of missense changes on protein structure and function all suggest that this variant is likely to be disruptive. The variant was absent in 251334 control chromosomes. c.1675G>A has been observed in the heterozygous state in at least 1 individual and in the presumed compound heterozygous state with a variant exceeding the maximum pathogenic allele frequency in at least 1 other individual with clinical features of autosomal dominant low-phospholipid-associated cholelithiasis syndrome (LPAC) (example, Ziol_2008, Biyoukar_2022, Dong_2021, Poupon_2013). These data indicate that the variant may be associated with disease. To our knowledge, no experimental evidence demonstrating an impact on protein function has been reported. The following publications have been ascertained in the context of this evaluation (PMID: 18482588, 33390354, 36277956, 33554096, 19840255, 35741809, 23533021, 39521930, 25260651). No submitters have cited clinical-significance assessments for this variant to ClinVar. Based on the evidence outlined above, the variant was classified as VUS-possibly pathogenic.

Literature cited by the submitters: PubMed 23533021 (cited by Genomenon, Inc and Women's Health and Genetics/Laboratory Corporation of America, LabCorp); PubMed 18482588 (cited by Women's Health and Genetics/Laboratory Corporation of America, LabCorp); PubMed 33390354 (cited by Women's Health and Genetics/Laboratory Corporation of America, LabCorp); PubMed 35741809 (cited by Women's Health and Genetics/Laboratory Corporation of America, LabCorp); PubMed 36277956 (cited by Women's Health and Genetics/Laboratory Corporation of America, LabCorp); PubMed 19840255 (cited by Women's Health and Genetics/Laboratory Corporation of America, LabCorp); PubMed 39521930 (cited by Women's Health and Genetics/Laboratory Corporation of America, LabCorp); PubMed 25260651 (cited by Women's Health and Genetics/Laboratory Corporation of America, LabCorp); PubMed 33554096 (cited by Women's Health and Genetics/Laboratory Corporation of America, LabCorp).